The following is an entry in ClinVar:

NM_001036.6(RYR3):c.3755C>T (p.Pro1252Leu)

Gene: RYR3 (ryanodine receptor 3; plus strand). Cytogenetic location: 15q14.
Variant type: single nucleotide variant.
Coding change: c.3755C>T on transcript NM_001036.6 (MANE Select); coding-DNA position 3755, C replaced by T.
Protein change: p.Pro1252Leu; replaces proline 1252 with leucine.
Molecular consequence: missense variant.
Genome position (GRCh38, 1-based): chr15:33,644,509, C>T. VCF-style: chr15-33644509-C-T. GRCh37 (hg19) VCF-style: chr15-33936710-C-T.
Other names: c.3755C>T, p.Pro1252Leu (NM_001243996.4); short protein forms P1252L.
Identifiers: ClinVar variation 969508 (VCV000969508.9), dbSNP rs2061991996, ClinGen allele CA391576636.

ClinVar aggregate classification (germline): Uncertain significance (1 of 4 stars; one submission).

Conditions:
Epileptic encephalopathy. Identifiers: MedGen C0543888, HP:0200134.

Allele frequency attached by ClinVar (database versions not stated): gnomAD exomes below 0.00001.
gnomAD v4.1: 1 of 1,612,866 alleles (0.000062%); highest among the groups gnomAD compares: Non-Finnish European, 0.000085%; no homozygotes.

Submission:

Labcorp Genetics (formerly Invitae), Labcorp
Classification: Uncertain significance for Epileptic encephalopathy. Last evaluated: 2019-11-06. Review status: criteria provided, single submitter. Criteria: Invitae Variant Classification Sherloc (09022015). Collection method: clinical testing. Allele origin: germline.
Comment: This sequence change replaces proline with leucine at codon 1252 of the RYR3 protein (p.Pro1252Leu). The proline residue is highly conserved and there is a moderate physicochemical difference between proline and leucine. This variant is not present in population databases (ExAC no frequency). This variant has not been reported in the literature in individuals with RYR3-related conditions. Algorithms developed to predict the effect of missense changes on protein structure and function are either unavailable or do not agree on the potential impact of this missense change (SIFT: "Deleterious"; PolyPhen-2: "Benign"; Align-GVGD: "Class C35"). In summary, the available evidence is currently insufficient to determine the role of this variant in disease. Therefore, it has been classified as a Variant of Uncertain Significance.